The following is an entry in ClinVar:

NM_000744.7(CHRNA4):c.28C>G (p.Arg10Gly)

Genes: CHRNA4 (cholinergic receptor nicotinic alpha 4 subunit; minus strand), LOC100130587 (uncharacterized LOC100130587; plus strand). Cytogenetic location: 20q13.33.
Variant type: single nucleotide variant.
Coding change: c.28C>G on transcript NM_000744.7 (MANE Select); coding-DNA position 28, C replaced by G.
Protein change: p.Arg10Gly; replaces arginine 10 with glycine.
Molecular consequence: missense variant. On other transcripts: non-coding transcript variant (1), intron variant (1).
Genome position (GRCh38, 1-based): chr20:63,361,138, G>C on the plus strand (C>G on the coding strand, the complement: CHRNA4 is on the minus strand). VCF-style: chr20-63361138-G-C. GRCh37 (hg19) VCF-style: chr20-61992490-G-C.
Other names: c.-471+39C>G (NM_001256573.2); short protein forms R10G.
Identifiers: ClinVar variation 1395814 (VCV001395814.6), dbSNP rs2068813671, ClinGen allele CA409644949.
Genomic context (GRCh38, chr20:63,361,138, plus strand): 5'-CCCGTAACTTACCGCGCAGGAGGCCGGTCCCCAGAAGCAGCAGCAGCGGCGGCAGCAGCC[G>C]CGGCGCTCCGGGGCCCCCTAGCTCCATGGCGCACGCACCTCGCGGGCTCTAGATGCGGGC-3'
Protein context (NP_000735.1, residues 1-20): MELGGPGAP[Arg10Gly]LLPPLLLLLG

ClinVar aggregate classification (germline): Uncertain significance (1 of 4 stars; one submission).

Conditions:
Familial sleep-related hypermotor epilepsy. Also called: Autosomal Dominant Sleep-Related Hypermotor (Hyperkinetic) Epilepsy. Identifiers: Orphanet 98784, MedGen C3696898, MONDO:0000030.

Allele frequency attached by ClinVar (database versions not stated): TOPMed below 0.00001.

Submission:

Labcorp Genetics (formerly Invitae), Labcorp
Classification: Uncertain significance. Last evaluated: 2024-05-22. Review status: criteria provided, single submitter. Criteria: Invitae Variant Classification Sherloc (09022015). Collection method: clinical testing. Allele origin: germline.
Comment: This sequence change replaces arginine, which is basic and polar, with glycine, which is neutral and non-polar, at codon 10 of the CHRNA4 protein (p.Arg10Gly). This variant is not present in population databases (gnomAD no frequency). This variant has not been reported in the literature in individuals affected with CHRNA4-related conditions. ClinVar contains an entry for this variant (Variation ID: 1395814). Experimental studies and prediction algorithms are not available or were not evaluated, and the functional significance of this variant is currently unknown. In summary, the available evidence is currently insufficient to determine the role of this variant in disease. Therefore, it has been classified as a Variant of Uncertain Significance.